The following is an entry in ClinVar:

NM_000444.6(PHEX):c.312T>G (p.Tyr104Ter)

Gene: PHEX (phosphate regulating endopeptidase homolog X-linked; plus strand). Cytogenetic location: Xp22.11.
Variant type: single nucleotide variant.
Coding change: c.312T>G on transcript NM_000444.6 (MANE Select); coding-DNA position 312, T replaced by G.
Protein change: p.Tyr104Ter; replaces tyrosine 104 with a stop codon.
Molecular consequence: nonsense.
Genome position (GRCh38, 1-based): chrX:22,047,174, T>G. VCF-style: chrX-22047174-T-G. GRCh37 (hg19) VCF-style: chrX-22065292-T-G.
Other names: c.312T>G, p.Tyr104Ter (NM_001282754.2); short protein forms Y104*.
Identifiers: ClinVar variation 426473 (VCV000426473.2), dbSNP rs1085307642, ClinGen allele CA412567767.

ClinVar aggregate classification (germline): Pathogenic (1 of 4 stars; one submission).

Submission:

GeneDx
Classification: Pathogenic. Last evaluated: 2018-12-14. Review status: criteria provided, single submitter. Criteria: GeneDx Variant Classification (06012015). Collection method: clinical testing. Allele origin: germline. Affected: yes.
Comment: The Y104X nonsense variant in the PHEX gene is predicted to cause loss of normal protein function either through protein truncation or nonsense-mediated mRNA decay. The variant is not observed in large population cohorts (Lek et al., 2016; 1000 Genomes Consortium et al., 2015; Exome Variant Server). Although this pathogenic variant has not been reported previously to our knowledge, we consider it to be pathogenic.